The following is an entry in ClinVar:

NM_000701.8(ATP1A1):c.2541G>A (p.Glu847=)

Genes: ATP1A1 (ATPase Na+/K+ transporting subunit alpha 1; plus strand), ATP1A1-AS1 (ATP1A1 antisense RNA 1; minus strand). Cytogenetic location: 1p13.1.
Variant type: single nucleotide variant.
Coding change: c.2541G>A on transcript NM_000701.8 (MANE Select); coding-DNA position 2541, G replaced by A.
Protein change: p.Glu847=; no amino-acid change (glutamic acid 847 retained).
Molecular consequence: synonymous variant.
Genome position (GRCh38, 1-based): chr1:116,399,512, G>A. VCF-style: chr1-116399512-G-A. GRCh37 (hg19) VCF-style: chr1-116942134-G-A.
Other names: p.Glu847=; c.2541G>A, p.Glu847= (NM_001160233.2); c.2448G>A, p.Glu816= (NM_001160234.2).
Identifiers: ClinVar variation 782733 (VCV000782733.39), dbSNP rs149820510, ClinGen allele CA1025564.

ClinVar aggregate classification (germline): Benign/Likely benign. Review status: criteria provided, multiple submitters, no conflicts (2 of 4 stars). 5 submissions from 5 submitters: Benign (1); Likely benign (3). 1 of the submissions does not count toward it. Last evaluated 2026-05-01.

Conditions:
ATP1A1-related disorder. Also called: ATP1A1-related condition.

Allele frequency attached by ClinVar (database versions not stated): ExAC 0.00039; gnomAD exomes 0.00043 and 0.00098; gnomAD 0.00057 and 0.00059; TOPMed 0.00060; ESP Exome Variant Server 0.00100.

Submissions (5):

CeGaT Center for Human Genetics Tuebingen
Classification: Likely benign. Last evaluated: 2026-05-01. Review status: criteria provided, single submitter. Criteria: CeGaT Center For Human Genetics Tuebingen Variant Classification Criteria Version 2. Collection method: clinical testing. Allele origin: germline. Affected: yes. Observed: 2 variant alleles.
Comment: ATP1A1: BP4, BS1

Labcorp Genetics (formerly Invitae), Labcorp
Classification: Likely benign. Last evaluated: 2026-02-03. Review status: criteria provided, single submitter. Criteria: Invitae Variant Classification Sherloc (09022015). Collection method: clinical testing. Allele origin: germline.

Blueprint Genetics
Classification: Likely benign. Last evaluated: 2024-10-29. Review status: criteria provided, single submitter. Criteria: ACMG Guidelines, 2015. Collection method: clinical testing. Allele origin: germline.

Mayo Clinic Laboratories, Mayo Clinic
Classification: Benign. Last evaluated: 2023-03-03. Review status: criteria provided, single submitter. Criteria: ACMG Guidelines, 2015. Collection method: clinical testing. Allele origin: germline. Observed: 2 variant alleles.
Comment: BS1, BS2, BP4, BP7

PreventionGenetics, part of Exact Sciences
Classification: Likely benign for ATP1A1-related condition. Last evaluated: 2019-03-13. Review status: no assertion criteria provided. Collection method: clinical testing. Allele origin: germline. Not counted in ClinVar's aggregate classification.
Comment: This variant is classified as likely benign based on ACMG/AMP sequence variant interpretation guidelines (Richards et al. 2015 PMID: 25741868, with internal and published modifications).